The following is an entry in ClinVar:

NM_133444.3(ZNF526):c.1583A>G (p.Tyr528Cys)

Gene: ZNF526 (zinc finger protein 526; plus strand). Cytogenetic location: 19q13.2.
Variant type: single nucleotide variant.
Coding change: c.1583A>G on transcript NM_133444.3 (MANE Select); coding-DNA position 1583, A replaced by G.
Protein change: p.Tyr528Cys; replaces tyrosine 528 with cysteine.
Molecular consequence: missense variant.
Genome position (GRCh38, 1-based): chr19:42,225,986, A>G. VCF-style: chr19-42225986-A-G. GRCh37 (hg19) VCF-style: chr19-42730138-A-G.
Other names: c.1583A>G, p.Tyr528Cys (NM_001314033.3); short protein forms Y528C.
Identifiers: ClinVar variation 2446586 (VCV002446586.1), dbSNP rs2513492986, ClinGen allele CA406080354.
Genomic context (GRCh38, chr19:42,225,986, plus strand): 5'-CCTTTGCTTCTTTGGCCAACCTCAGCCGCCACCAGCTGACCCATACGGGTGCACGTCCCT[A>G]CCAATGCCTGGACTGTGGCAAGCGCTTCACACAGAGCTCCAACCTGCAGCAGCACCGGCG-3'
Protein context (NP_597701.1, residues 518-538): HQLTHTGARP[Tyr528Cys]QCLDCGKRFT

ClinVar aggregate classification (germline): Uncertain significance (1 of 4 stars; one submission).

Allele frequency attached by ClinVar (database versions not stated): gnomAD exomes below 0.00001.

Submission:

GeneDx
Classification: Uncertain significance. Last evaluated: 2022-10-03. Review status: criteria provided, single submitter. Criteria: GeneDx Variant Classification Process June 2021. Collection method: clinical testing. Allele origin: germline. Affected: yes.
Comment: Not observed at significant frequency in large population cohorts (gnomAD); In silico analysis supports that this missense variant has a deleterious effect on protein structure/function; Has not been previously published as pathogenic or benign to our knowledge